The following is an entry in ClinVar:

NM_001372044.2(SHANK3):c.2540+2T>C

Gene: SHANK3 (SH3 and multiple ankyrin repeat domains 3; plus strand). Cytogenetic location: 22q13.33.
Variant type: single nucleotide variant.
Coding change: c.2540+2T>C on transcript NM_001372044.2 (MANE Select); the canonical splice donor site of the intron after coding-DNA position 2540, T replaced by C.
Molecular consequence: splice donor variant.
Genome position (GRCh38, 1-based): chr22:50,715,755, T>C. VCF-style: chr22-50715755-T-C. GRCh37 (hg19) VCF-style: chr22-51154183-T-C.
Other names: c.2575+2T>C (NM_001372044.2).
Identifiers: ClinVar variation 3897561 (VCV003897561.1).

ClinVar aggregate classification (germline): Pathogenic (1 of 4 stars; one submission).

Conditions:
Phelan-McDermid syndrome. Also called: Phelan-McDermid Syndrome-SHANK3 Related; TELOMERIC 22q13 MONOSOMY SYNDROME; 22q13.3 deletion syndrome. Identifiers: Orphanet 48652, MedGen C1853490, MONDO:0011652, OMIM 606232.

Submission:

Institute of Immunology and Genetics Kaiserslautern
Classification: Pathogenic for Phelan-McDermid syndrome. Last evaluated: 2025-04-25. Review status: criteria provided, single submitter. Criteria: ACMG Guidelines, 2015. Collection method: clinical testing. Allele origin: de novo. Affected: yes.
Comment: ACMG Criteria: PVS1, PS2, PM2; Variant was found in heterozygous state. De novo-status was confirmed via in-house segregation analysis.